The following is an entry in ClinVar:

NM_001079855.2(GYG2):c.-129+14T>C

Gene: GYG2 (glycogenin 2; plus strand). Cytogenetic location: Xp22.33.
Variant type: single nucleotide variant.
Coding change: c.-129+14T>C on transcript NM_001079855.2 (MANE Select); 14 bases into the intron after 129 bases upstream of the start codon, T replaced by C.
Molecular consequence: intron variant.
Genome position (GRCh38, 1-based): chrX:2,828,989, T>C. VCF-style: chrX-2828989-T-C. GRCh37 (hg19) VCF-style: chrX-2747030-T-C.
Other names: c.-129+14T>C (NM_003918.3, NM_001184703.2, NM_001184702.2); c.-452+14T>C (NM_001184704.2).
Identifiers: ClinVar variation 677261 (VCV000677261.1), dbSNP rs1485170223, ClinGen allele CA874376710.

ClinVar aggregate classification (germline): Likely benign (1 of 4 stars; one submission).

Allele frequency attached by ClinVar (database versions not stated): TOPMed 0.00004; gnomAD 0.00005.

Submission:

GeneDx
Classification: Likely benign. Last evaluated: 2018-05-25. Review status: criteria provided, single submitter. Criteria: GeneDx Variant Classification (06012015). Collection method: clinical testing. Allele origin: germline. Affected: yes.
Comment: This variant is considered likely benign or benign based on one or more of the following criteria: it is a conservative change, it occurs at a poorly conserved position in the protein, it is predicted to be benign by multiple in silico algorithms, and/or has population frequency not consistent with disease.